The following is an entry in ClinVar:

ClinVar aggregate classification (germline): Uncertain significance (1 of 4 stars; one submission).

Conditions:
EGFR-related lung cancer (EGFR). Identifiers: MedGen CN130014.

Submission:

Labcorp Genetics (formerly Invitae), Labcorp
Classification: Uncertain significance for EGFR-related lung cancer. Last evaluated: 2024-03-28. Review status: criteria provided, single submitter. Criteria: Invitae Variant Classification Sherloc (09022015). Collection method: clinical testing. Allele origin: germline.
Comment: This sequence change replaces serine, which is neutral and polar, with threonine, which is neutral and polar, at codon 885 of the EGFR protein (p.Ser885Thr). This variant is not present in population databases (gnomAD no frequency). This variant has not been reported in the literature in individuals affected with EGFR-related conditions. Advanced modeling of protein sequence and biophysical properties (such as structural, functional, and spatial information, amino acid conservation, physicochemical variation, residue mobility, and thermodynamic stability) performed at Invitae indicates that this missense variant is not expected to disrupt EGFR protein function with a negative predictive value of 80%. In summary, the available evidence is currently insufficient to determine the role of this variant in disease. Therefore, it has been classified as a Variant of Uncertain Significance.

NM_005228.5(EGFR):c.2653T>A (p.Ser885Thr)

Gene: EGFR (epidermal growth factor receptor; plus strand). Cytogenetic location: 7p11.2.
Variant type: single nucleotide variant.
Coding change: c.2653T>A on transcript NM_005228.5 (MANE Select); coding-DNA position 2653, T replaced by A.
Protein change: p.Ser885Thr; replaces serine 885 with threonine.
Molecular consequence: missense variant.
Genome position (GRCh38, 1-based): chr7:55,192,793, T>A. VCF-style: chr7-55192793-T-A. GRCh37 (hg19) VCF-style: chr7-55260486-T-A.
Other names: c.2518T>A, p.Ser840Thr (NM_001346897.2, NM_001346899.2); c.2653T>A, p.Ser885Thr (NM_001346898.2); c.2494T>A, p.Ser832Thr (NM_001346900.2); c.1852T>A, p.Ser618Thr (NM_001346941.2); short protein forms S832T, S840T, S885T, S618T.
Identifiers: ClinVar variation 3647986 (VCV003647986.2).